The following is an entry in ClinVar:

NM_006015.6(ARID1A):c.3715+4A>T

Genes: ARID1A (AT-rich interaction domain 1A; plus strand), LOC126805670 (CDK7 strongly-dependent group 2 enhancer GRCh37_chr1:27098665-27099864; plus strand). Cytogenetic location: 1p36.11.
Variant type: single nucleotide variant.
Coding change: c.3715+4A>T on transcript NM_006015.6 (MANE Select); 4 bases into the intron after coding-DNA position 3715, A replaced by T.
Molecular consequence: intron variant.
Genome position (GRCh38, 1-based): chr1:26,772,991, A>T. VCF-style: chr1-26772991-A-T. GRCh37 (hg19) VCF-style: chr1-27099482-A-T.
Other names: c.3715+4A>T (NM_139135.4).
Identifiers: ClinVar variation 2504306 (VCV002504306.1), dbSNP rs2124108296, ClinGen allele CA2580611144.

ClinVar aggregate classification (germline): Uncertain significance (1 of 4 stars; one submission).

Submission:

GeneDx
Classification: Uncertain significance. Last evaluated: 2022-12-02. Review status: criteria provided, single submitter. Criteria: GeneDx Variant Classification Process June 2021. Collection method: clinical testing. Allele origin: germline. Affected: yes.
Comment: Not observed at significant frequency in large population cohorts (gnomAD); In silico analysis is inconclusive as to whether the variant alters gene splicing. In the absence of RNA/functional studies, the actual effect of this sequence change is unknown.; Has not been previously published as pathogenic or benign to our knowledge